The following is an entry in ClinVar:

NM_000350.3(ABCA4):c.5549T>C (p.Leu1850Pro)

Gene: ABCA4 (ATP binding cassette subfamily A member 4; minus strand). Cytogenetic location: 1p22.1.
Variant type: single nucleotide variant.
Coding change: c.5549T>C on transcript NM_000350.3 (MANE Select); coding-DNA position 5549, T replaced by C.
Protein change: p.Leu1850Pro; replaces leucine 1850 with proline.
Molecular consequence: missense variant.
Genome position (GRCh38, 1-based): chr1:94,011,297, A>G on the plus strand (T>C on the coding strand, the complement: ABCA4 is on the minus strand). VCF-style: chr1-94011297-A-G. GRCh37 (hg19) VCF-style: chr1-94476853-A-G.
Other names: c.5327T>C, p.Leu1776Pro (NM_001425324.1); short protein forms L1850P, L1776P.
Identifiers: ClinVar variation 197055 (VCV000197055.14), dbSNP rs377311148, ClinGen allele CA244968.

ClinVar aggregate classification (germline): Pathogenic/Likely pathogenic. Review status: criteria provided, multiple submitters, no conflicts (2 of 4 stars). 4 submissions from 3 submitters: Pathogenic (1); Likely pathogenic (3). Last evaluated 2024-01-31.

Conditions:
Retinal dystrophy. Also called: Inherited retinal dystrophy. Identifiers: Orphanet 71862, MedGen C0854723, MeSH D058499, MONDO:0019118, HP:0000556.
Severe early-childhood-onset retinal dystrophy (STGD1). Also called: Stargardt macular dystrophy; Juvenile onset macular degeneration; Stargardt disease 1; STGD; MACULAR DYSTROPHY WITH FLECKS, TYPE 1. Identifiers: Orphanet 364055, Orphanet 827, MedGen C1855465, MeSH D000080362, MONDO:0009549, OMIM 248200.

Allele frequency attached by ClinVar (database versions not stated): gnomAD exomes below 0.00001; ExAC 0.00001; ESP Exome Variant Server 0.00008; gnomAD 0.00001; TOPMed 0.00002.
gnomAD v4.1: 6 of 1,614,014 alleles (0.00037%); highest among the groups gnomAD compares: Non-Finnish European, 0.00042%; no homozygotes.

Submissions (4):

Labcorp Genetics (formerly Invitae), Labcorp
Classification: Pathogenic. Last evaluated: 2024-01-31. Review status: criteria provided, single submitter. Criteria: Invitae Variant Classification Sherloc (09022015). Collection method: clinical testing. Allele origin: germline.
Comment: This sequence change replaces leucine, which is neutral and non-polar, with proline, which is neutral and non-polar, at codon 1850 of the ABCA4 protein (p.Leu1850Pro). This variant is present in population databases (rs377311148, gnomAD 0.0009%). This missense change has been observed in individual(s) with clinical features of autosomal recessive Stargardt disease (PMID: 23755871, 28559085; Invitae). In at least one individual the data is consistent with being in trans (on the opposite chromosome) from a pathogenic variant. ClinVar contains an entry for this variant (Variation ID: 197055). Advanced modeling of protein sequence and biophysical properties (such as structural, functional, and spatial information, amino acid conservation, physicochemical variation, residue mobility, and thermodynamic stability) has been performed at Invitae for this missense variant, however the output from this modeling did not meet the statistical confidence thresholds required to predict the impact of this variant on ABCA4 protein function. For these reasons, this variant has been classified as Pathogenic.

Institute of Human Genetics, Univ. Regensburg, Univ. Regensburg
Classification: Likely pathogenic for Retinal dystrophy. Last evaluated: 2021-01-01. Review status: criteria provided, single submitter. Criteria: ACMG Guidelines, 2015. Collection method: clinical testing. Allele origin: germline. Affected: yes.

Institute of Human Genetics, Univ. Regensburg, Univ. Regensburg
Classification: Likely pathogenic for Severe early-childhood-onset retinal dystrophy. Last evaluated: 2016-01-01. Review status: criteria provided, single submitter. Criteria: Schulz et al. (Invest Ophthalmol Vis Sci. 2017). Collection method: clinical testing. Allele origin: germline. Affected: yes. Observed: 3 heterozygotes.

Eurofins Ntd Llc (ga)
Classification: Likely pathogenic. Last evaluated: 2015-09-10. Review status: criteria provided, single submitter. Criteria: EGL Classification Definitions. Collection method: clinical testing. Allele origin: germline. Observed: 2 variant alleles, 2 heterozygotes.

Literature cited by the submitters: PubMed 23755871 (cited by Labcorp Genetics (formerly Invitae), Labcorp and Institute of Human Genetics, Univ. Regensburg, Univ. Regensburg); PubMed 28559085 (cited by Labcorp Genetics (formerly Invitae), Labcorp and Institute of Human Genetics, Univ. Regensburg, Univ. Regensburg); PubMed 29555955 (cited by Institute of Human Genetics, Univ. Regensburg, Univ. Regensburg); PubMed 31589614 (cited by Institute of Human Genetics, Univ. Regensburg, Univ. Regensburg); PubMed 32619608 (cited by Institute of Human Genetics, Univ. Regensburg, Univ. Regensburg); PubMed 31964843 (cited by Institute of Human Genetics, Univ. Regensburg, Univ. Regensburg); PubMed 32307445 (cited by Institute of Human Genetics, Univ. Regensburg, Univ. Regensburg); PubMed 35119454 (cited by Institute of Human Genetics, Univ. Regensburg, Univ. Regensburg); PubMed 20108432 (cited by Institute of Human Genetics, Univ. Regensburg, Univ. Regensburg).